The following is an entry in ClinVar:

ClinVar aggregate classification (germline): Uncertain significance (1 of 4 stars; one submission).

Conditions:
Inborn genetic diseases. Identifiers: MedGen C0950123, MeSH D030342.

Submission:

Ambry Genetics
Classification: Uncertain significance for Inborn genetic diseases. Last evaluated: 2025-10-03. Review status: criteria provided, single submitter. Criteria: Ambry Variant Classification Scheme 2023. Collection method: clinical testing. Allele origin: germline.
Comment: The p.F99Y variant (also known as c.296T>A), located in coding exon 2 of the ERCC6L2 gene, results from a T to A substitution at nucleotide position 296. The phenylalanine at codon 99 is replaced by tyrosine, an amino acid with highly similar properties. This amino acid position is conserved. In addition, this alteration is predicted to be tolerated by in silico analysis. Based on the available evidence, the clinical significance of this variant remains unclear.

NM_020207.7(ERCC6L2):c.296T>A (p.Phe99Tyr)

Gene: ERCC6L2 (ERCC excision repair 6 like 2; plus strand). Cytogenetic location: 9q22.32.
Variant type: single nucleotide variant.
Coding change: c.296T>A on transcript NM_020207.7 (MANE Select); coding-DNA position 296, T replaced by A.
Protein change: p.Phe99Tyr; replaces phenylalanine 99 with tyrosine.
Molecular consequence: missense variant. On other transcripts: non-coding transcript variant (1).
Genome position (GRCh38, 1-based): chr9:95,881,118, T>A. VCF-style: chr9-95881118-T-A. GRCh37 (hg19) VCF-style: chr9-98643400-T-A.
Other names: c.296T>A, p.Phe99Tyr (NM_001010895.4, NM_001375291.1, NM_001375292.1 and 2 more transcripts); short protein forms F99Y.
Identifiers: ClinVar variation 4618718 (VCV004618718.1).